The following is an entry in ClinVar:

ClinVar aggregate classification (germline): Uncertain significance (1 of 4 stars; one submission).

Submission:

Ambry Genetics
Classification: Uncertain significance. Last evaluated: 2022-09-18. Review status: criteria provided, single submitter. Criteria: Ambry Variant Classification Scheme 2023. Collection method: clinical testing. Allele origin: germline.
Comment: The p.I1852T variant (also known as c.5555T>C), located in coding exon 16 of the POLQ gene, results from a T to C substitution at nucleotide position 5555. The isoleucine at codon 1852 is replaced by threonine, an amino acid with similar properties. This amino acid position is conserved. In addition, the in silico prediction for this alteration is inconclusive. Since supporting evidence is limited at this time, the clinical significance of this alteration remains unclear.

NM_199420.4(POLQ):c.5555T>C (p.Ile1852Thr)

Gene: POLQ (DNA polymerase theta; minus strand). Cytogenetic location: 3q13.33.
Variant type: single nucleotide variant.
Coding change: c.5555T>C on transcript NM_199420.4 (MANE Select); coding-DNA position 5555, T replaced by C.
Protein change: p.Ile1852Thr; replaces isoleucine 1852 with threonine.
Molecular consequence: missense variant.
Genome position (GRCh38, 1-based): chr3:121,487,376, A>G on the plus strand (T>C on the coding strand, the complement: POLQ is on the minus strand). VCF-style: chr3-121487376-A-G. GRCh37 (hg19) VCF-style: chr3-121206223-A-G.
Other names: short protein forms I1852T.
Identifiers: ClinVar variation 1748258 (VCV001748258.2), dbSNP rs1576413611, ClinGen allele CA354089918.